The following is an entry in ClinVar:

NM_006030.4(CACNA2D2):c.101_121dup (p.Arg34_Pro40dup)

Gene: CACNA2D2 (calcium voltage-gated channel auxiliary subunit alpha2delta 2; minus strand). Cytogenetic location: 3p21.31.
Variant type: Duplication.
Coding change: c.101_121dup on transcript NM_006030.4 (MANE Select); coding-DNA positions 101 to 121, 21 bases duplicated (GGCGCCCGACGTCCGGGCCCC).
Protein change: p.Arg34_Pro40dup.
Molecular consequence: inframe insertion. On other transcripts: intron variant (1).
Genome position (GRCh38, 1-based): chr3:50,503,303-50,503,323, GGGGCCCGGACGTCGGGCGCC duplicated on the plus strand (GGCGCCCGACGTCCGGGCCCC on the coding strand, the reverse complement: CACNA2D2 is on the minus strand); duplicating any 21 consecutive bases within chr3:50,503,303-50,503,326 gives the same sequence; the c. name uses the placement nearest the transcript's 3' end. VCF-style (leftmost placement, unchanged base first): chr3-50503302-G-GGGGGCCCGGACGTCGGGCGCC. GRCh37 (hg19) VCF-style: chr3-50540733-G-GGGGGCCCGGACGTCGGGCGCC.
Other names: c.101_121dup, p.Arg34_Pro40dup (NM_001005505.3, NM_001174051.3); c.-2+746_-2+766dup (NM_001291101.1).
Identifiers: ClinVar variation 1465139 (VCV001465139.9), dbSNP rs2107205503, ClinGen allele CA2573137227.

ClinVar aggregate classification (germline): Uncertain significance (1 of 4 stars; one submission).

Conditions:
Early-infantile DEE. Also called: Ohtahara syndrome; Early infantile epileptic encephalopathy with suppression bursts; Early infantile epileptic encephalopathy. Identifiers: Orphanet 1934, MedGen C0393706, MONDO:0800491.

Submission:

Labcorp Genetics (formerly Invitae), Labcorp
Classification: Uncertain significance for Early-infantile DEE. Last evaluated: 2023-08-30. Review status: criteria provided, single submitter. Criteria: Invitae Variant Classification Sherloc (09022015). Collection method: clinical testing. Allele origin: germline.
Comment: This variant, c.101_121dup, results in the insertion of 7 amino acid(s) of the CACNA2D2 protein (p.Arg34_Pro40dup), but otherwise preserves the integrity of the reading frame. This variant is not present in population databases (gnomAD no frequency). In summary, the available evidence is currently insufficient to determine the role of this variant in disease. Therefore, it has been classified as a Variant of Uncertain Significance. Experimental studies and prediction algorithms are not available or were not evaluated, and the functional significance of this variant is currently unknown. ClinVar contains an entry for this variant (Variation ID: 1465139). This variant has not been reported in the literature in individuals affected with CACNA2D2-related conditions.